The following is an entry in ClinVar:

ClinVar aggregate classification (germline): Uncertain significance (1 of 4 stars; one submission).

Submission:

Labcorp Genetics (formerly Invitae), Labcorp
Classification: Uncertain significance. Last evaluated: 2023-05-22. Review status: criteria provided, single submitter. Criteria: Invitae Variant Classification Sherloc (09022015). Collection method: clinical testing. Allele origin: germline.
Comment: In summary, the available evidence is currently insufficient to determine the role of this variant in disease. Therefore, it has been classified as a Variant of Uncertain Significance. Advanced modeling of protein sequence and biophysical properties (such as structural, functional, and spatial information, amino acid conservation, physicochemical variation, residue mobility, and thermodynamic stability) performed at Invitae indicates that this missense variant is not expected to disrupt UNC80 protein function. ClinVar contains an entry for this variant (Variation ID: 1381063). This variant has not been reported in the literature in individuals affected with UNC80-related conditions. This variant is not present in population databases (gnomAD no frequency). This sequence change replaces glutamic acid with glycine at codon 1966 of the UNC80 protein (p.Glu1966Gly). The glutamic acid residue is moderately conserved and there is a moderate physicochemical difference between glutamic acid and glycine.

NM_001371986.1(UNC80):c.6095A>G (p.Glu2032Gly)

Gene: UNC80 (unc-80 subunit of NALCN channel complex; plus strand). Cytogenetic location: 2q34.
Variant type: single nucleotide variant.
Coding change: c.6095A>G on transcript NM_001371986.1 (MANE Select); coding-DNA position 6095, A replaced by G.
Protein change: p.Glu2032Gly; replaces glutamic acid 2032 with glycine.
Molecular consequence: missense variant.
Genome position (GRCh38, 1-based): chr2:209,933,922, A>G. VCF-style: chr2-209933922-A-G. GRCh37 (hg19) VCF-style: chr2-210798646-A-G.
Other names: c.5897A>G, p.Glu1966Gly (NM_032504.2); c.5882A>G, p.Glu1961Gly (NM_182587.4); short protein forms E1961G, E1966G, E2032G.
Identifiers: ClinVar variation 1381063 (VCV001381063.6), dbSNP rs2124969677, ClinGen allele CA350769024.